The following is an entry in ClinVar:

NM_175914.5(HNF4A):c.340C>T (p.Arg114Trp)

Gene: HNF4A (hepatocyte nuclear factor 4 alpha; plus strand). Cytogenetic location: 20q13.12.
Variant type: single nucleotide variant.
Coding change: c.340C>T on transcript NM_175914.5 (MANE Select); coding-DNA position 340, C replaced by T.
Protein change: p.Arg114Trp; replaces arginine 114 with tryptophan.
Molecular consequence: missense variant.
Genome position (GRCh38, 1-based): chr20:44,413,714, C>T. VCF-style: chr20-44413714-C-T. GRCh37 (hg19) VCF-style: chr20-43042354-C-T.
Other names: R127W; NM_175914.5(HNF4A):c.340C>T; p.Arg114Trp; c.406C>T, p.Arg136Trp (NM_000457.6, NM_178849.3, NM_178850.3); c.340C>T, p.Arg114Trp (NM_001030003.3, NM_001030004.3); c.385C>T, p.Arg129Trp (NM_001258355.2); c.331C>T, p.Arg111Trp (NM_001287182.2, NM_001287183.2, NM_001287184.2); short protein forms R114W, R129W, R136W, R111W.
Identifiers: ClinVar variation 9212 (VCV000009212.38), dbSNP rs137853336, ClinGen allele CA120206.

ClinVar aggregate classification (germline): Likely pathogenic. Review status: reviewed by expert panel (3 of 4 stars). 16 submissions from 16 submitters: Likely pathogenic (1). 15 of the submissions do not count toward it. Last evaluated 2023-12-02.

Conditions:
HNF4A-related disorder. Also called: HNF4A-related condition.
Monogenic diabetes. Identifiers: Orphanet 183625, MedGen C3888631, MONDO:0015967.
Fanconi renotubular syndrome 4 with maturity-onset diabetes of the young (FRTS4). Also called: FRTS4 WITH MODY. Identifiers: Orphanet 93111, MedGen C4014962, MONDO:0014458, OMIM 616026.
Type 2 diabetes mellitus. Also called: Type II diabetes mellitus. Identifiers: MedGen C0011860, MeSH D003924, MONDO:0005148, OMIM 125853, HP:0005978.
Maturity-onset diabetes of the young type 1. Also called: MODY, type I; MODY type 1; Diabetes mellitus MODY type 1; MODY HNF4A related; HNF4A-Related Maturity-Onset Diabetes of the Young Type 1; MILD JUVENILE DIABETES MELLITUS. Identifiers: Orphanet 552, MedGen C1852093, MONDO:0007452, OMIM 125850. Disease mechanism: loss of function.
Maturity-onset diabetes of the young (MODY). Also called: Maturity onset diabetes mellitus in young. Identifiers: Orphanet 552, MedGen C0342276, MONDO:0018911, HP:0004904.

Allele frequency attached by ClinVar (database versions not stated): TOPMed 0.00002; ExAC 0.00006; gnomAD 0.00006.
gnomAD v4.1: 186 of 1,613,614 alleles (0.012%); highest among the groups gnomAD compares: Admixed American, 0.015%; no homozygotes.

Submissions 1 to 5 of 16:

ClinGen Monogenic Diabetes Variant Curation Expert Panel
Classification: Likely pathogenic for Monogenic diabetes. Last evaluated: 2023-12-02. Review status: reviewed by expert panel. Criteria: ClinGen Diabetes ACMG Specifications HNF4A V2.0.0. Collection method: curation. Allele origin: germline. Inheritance: Autosomal dominant inheritance.
Comment: The c.340C>T variant in the hepatic nuclear factor 4-alpha gene, HNF4A, causes an amino acid change of arginine to tryptophan at codon 114 (p.(Arg114Trp)) of NM_175914.5. This variant is predicted to be deleterious by computational evidence, with a REVEL score of 0.919, which is greater than the MDEP VCEP threshold of 0.70 (PP3). This variant has a Popmax Filtering allele frequency in gnomAD 2.1.1 of 0.000074, which is greater than the MDEP threshold for BS1 (0.000033) (BS1). This variant was identified in over 80 unrelated individuals with non-autoimmune and non-absolute/near-absolute insulin-deficient diabetes; however, PS4 cannot be applied because the variant MAF in gnomAD is above the ClinGen MDEP PM2_Supporting cutoff (PMID: 27486234, internal lab contributors). This variant was identified in an individual with a clinical history highly specific for HNF4A-MODY (MODY probability calculator result >50% and negative genetic testing for HNF1A) (PP4; internal lab contributors). This variant segregated with diabetes, with 31 informative meioses (PP1_Strong; internal lab contributors). This variant was identified in at least 3 nondiabetic individuals >70 years old, and the expected penetrance for HNF4A-monogenic diabetes is 95% by age 70 (BS2; PMID: 9313765. internal lab contributors) (BS2). This variant was identified in five individuals with an alternate molecular basis for disease, including two siblings with the HNF1A variant NM_000545.8:c872dup (p.Gly292fs*25) (BP5; PMID: 2351881, internal lab contributors). This variant has previously been considered to be pathogenic for a low penetrance form of MODY, and reporting has been of clinical utility for considering treatment with sulfonylureas, which have ~48% effectiveness in individuals with this variant (PMID: 27486234). In summary, c.340C>T meets phenotype, segregation, and computational criteria to be classified as likely pathogenic. While adding its population frequency, penetrance, and co-occurrence (which may have synergistic impact) criteria would lead to a likely benign classification, the MDEP consensus is that this should be considered a reportable likely pathogenic variant with reduced penetrance that may respond to sulfonylurea treatment. ACMG/AMP criteria applied, as specified by the ClinGen MDEP (specification version 2.0.0, approved 10/11/2023): BS1, BS2, PP1_Strong, BP5, PP3, PP4.

Variantyx, Inc.
Classification: Likely pathogenic for Maturity-onset diabetes of the young type 1. Last evaluated: 2025-11-21. Review status: criteria provided, single submitter. Criteria: Variantyx Assertion Criteria 2022. Collection method: clinical testing. Allele origin: germline. Inheritance: Autosomal dominant inheritance. Affected: yes. Not counted in ClinVar's aggregate classification.
Comment: This is a nonsynonymous variant in the HNF4A gene (OMIM: 600281). Pathogenic variants in this gene have been associated with autosomal dominant MODY type I. The frequency of this variant in affected individuals is significantly increased compared to controls (PMID: 27486234) (PS4). Multiple computational algorithms predict a deleterious effect for this variant (REVEL score: 0.919) (PP3), and other reputable laboratories have reported this variant as pathogenic or likely pathogenic, and this classification has been validated by an expert panel in ClinVar (PP5). This variant has a 0.0150% maximum allele frequency in non-founder control populations. Based on the current evidence, this variant is classified as likely pathogenic for autosomal dominant MODY type I.

GeneDx
Classification: Likely pathogenic. Last evaluated: 2025-09-22. Review status: criteria provided, single submitter. Criteria: GeneDx Variant Classification Process June 2021. Collection method: clinical testing. Allele origin: germline. Affected: yes. Not counted in ClinVar's aggregate classification.
Comment: Considered to be a likely pathogenic variant with reduced penetrance that may respond to sulfonylurea treatment by the ClinGen Monogenic Diabetes Expert Panel (ClinVar SCV#004174222.1); Published functional studies show wild-type target gene activation is retained, however, abnormal transcriptional activation and altered activity during indirect target gene regulation occurs (PMID: 16223942); In silico analysis supports that this missense variant has a deleterious effect on protein structure/function; Also known as R127W and R136W; This variant is associated with the following publications: (PMID: 15830177, 29377200, 34662886, 11272211, 10819248, 11043869, 17407387, 24097065, 23551881, 27486234, 10606640, 29207974, 10389854, 30665703, 29998026, 29734081, 31281738, 9313765, 30191644, 30977832, 27271189, 26287533, 24843605, 15752752, 23485969, 40715678, 34789499, 36257325, 25414397, 16223942, 35325889, 35460704, 36227502, 34362814, 39379762, 37808701, 38855865, 25306193, 32041611)

Labcorp Genetics (formerly Invitae), Labcorp
Classification: Pathogenic. Last evaluated: 2025-08-24. Review status: criteria provided, single submitter. Criteria: Invitae Variant Classification Sherloc (09022015). Collection method: clinical testing. Allele origin: germline. Not counted in ClinVar's aggregate classification.
Comment: This sequence change replaces arginine, which is basic and polar, with tryptophan, which is neutral and slightly polar, at codon 114 of the HNF4A protein (p.Arg114Trp). This variant is present in population databases (rs137853336, gnomAD 0.01%). This missense change has been observed in individuals with maturity onset diabetes of the young (PMID: 9313765, 11043869, 15830177, 25414397, 27486234, 29207974, 30977832; internal data). It has also been observed to segregate with disease in related individuals. Of note, this variant has been observed to have reduced penetrance, with later average age of onset and decreased responsiveness to sulfonylurea treatment when compared to other HNF4A mutations (PMID: 27486234). This variant is also known as p.Arg127Trp or p.Arg136Trp. ClinVar contains an entry for this variant (Variation ID: 9212). Invitae Evidence Modeling of protein sequence and biophysical properties (such as structural, functional, and spatial information, amino acid conservation, physicochemical variation, residue mobility, and thermodynamic stability) has been performed for this missense variant. However, the output from this modeling did not meet the statistical confidence thresholds required to predict the impact of this variant on HNF4A protein function. Experimental studies are conflicting or provide insufficient evidence to determine the effect of this variant on HNF4A function (PMID: 10389854, 10606640, 10819248, 16223942). For these reasons, this variant has been classified as Pathogenic.

Ambry Genetics
Classification: Pathogenic for Maturity-onset diabetes of the young. Last evaluated: 2025-08-20. Review status: criteria provided, single submitter. Criteria: Ambry Variant Classification Scheme 2023. Collection method: clinical testing. Allele origin: germline. Not counted in ClinVar's aggregate classification.
Comment: The c.340C>T (p.R114W) alteration is located in exon 4 (coding exon 4) of the HNF4A gene. This alteration results from a C to T substitution at nucleotide position 340, causing the arginine (R) at amino acid position 114 to be replaced by a tryptophan (W). Based on data from gnomAD, the T allele has an overall frequency of 0.008% (20/250910) total alleles studied. The highest observed frequency was 0.015% (5/34564) of Latino alleles. This variant, also referred to as R127W and R136W in the literature, was identified in one or more individuals with features consistent with HNF4A-related maturity onset diabetes of the young and segregated with disease in at least one family (Furuta, 1997; Delvecchio, 2014; Laver, 2016). However, when compared to other pathogenic variants in HNF4A, this variant has reduced penetrance, later age of onset, and decreased responsiveness to sulfonylurea treatment (Laver, 2016). In addition, in one or more case control studies, this variant was found to be associated with an increased risk of type II diabetes (Huerta-Chagoya, 2024). This amino acid position is highly conserved in available vertebrate species. In multiple assays testing HNF4A function, this variant showed functionally abnormal results; however, in another assay, this variant showed a functionally normal result (Navas, 1999; Lausen, 2000; Yang, 2000). This alteration is predicted to be deleterious by in silico analysis. Based on the available evidence, this alteration is classified as pathogenic.